The following is an entry in ClinVar:

ClinVar aggregate classification (germline): Uncertain significance. Review status: criteria provided, multiple submitters, no conflicts (2 of 4 stars). 3 submissions from 3 submitters: Uncertain significance (3). Last evaluated 2023-06-11.

Conditions:
Hereditary cancer-predisposing syndrome. Also called: Neoplastic Syndromes, Hereditary; Tumor predisposition; Hereditary Cancer Syndrome; Hereditary neoplastic syndrome. Identifiers: Orphanet 140162, MedGen C0027672, MeSH D009386, MONDO:0015356.
Familial cancer of breast. Also called: BREAST CANCER, FAMILIAL; Hereditary breast cancer; hereditary breast carcinoma. Identifiers: Orphanet 227535, MedGen C0346153, MONDO:0016419, OMIM 114480. Disease mechanism: loss of function.

Submissions (3):

Ambry Genetics
Classification: Uncertain significance for Hereditary cancer-predisposing syndrome. Last evaluated: 2023-06-11. Review status: criteria provided, single submitter. Criteria: Ambry Variant Classification Scheme 2023. Collection method: clinical testing. Allele origin: germline.
Comment: The p.N930S variant (also known as c.2789A>G), located in coding exon 8 of the PALB2 gene, results from an A to G substitution at nucleotide position 2789. The asparagine at codon 930 is replaced by serine, an amino acid with highly similar properties. This amino acid position is well conserved in available vertebrate species. In addition, this alteration is predicted to be tolerated by in silico analysis. Since supporting evidence is limited at this time, the clinical significance of this alteration remains unclear.

Color Diagnostics, LLC DBA Color Health
Classification: Uncertain significance for Hereditary cancer-predisposing syndrome. Last evaluated: 2023-03-30. Review status: criteria provided, single submitter. Criteria: ACMG Guidelines, 2015. Collection method: clinical testing. Allele origin: germline.
Comment: This missense variant replaces asparagine with serine at codon 930 of the PALB2 protein. Computational prediction suggests that this variant may not impact protein structure and function (internally defined REVEL score threshold <= 0.5, PMID: 27666373). To our knowledge, functional studies have not been reported for this variant. This variant has not been reported in individuals affected with PALB2-related disorders in the literature. This variant has not been identified in the general population by the Genome Aggregation Database (gnomAD). The available evidence is insufficient to determine the role of this variant in disease conclusively. Therefore, this variant is classified as a Variant of Uncertain Significance.

Labcorp Genetics (formerly Invitae), Labcorp
Classification: Uncertain significance for Familial cancer of breast. Last evaluated: 2022-04-13. Review status: criteria provided, single submitter. Criteria: Invitae Variant Classification Sherloc (09022015). Collection method: clinical testing. Allele origin: germline.
Comment: In summary, the available evidence is currently insufficient to determine the role of this variant in disease. Therefore, it has been classified as a Variant of Uncertain Significance. Algorithms developed to predict the effect of missense changes on protein structure and function output the following: SIFT: "Tolerated"; PolyPhen-2: "Benign"; Align-GVGD: "Class C0". The serine amino acid residue is found in multiple mammalian species, which suggests that this missense change does not adversely affect protein function. ClinVar contains an entry for this variant (Variation ID: 925038). This variant has not been reported in the literature in individuals affected with PALB2-related conditions. This variant is not present in population databases (gnomAD no frequency). This sequence change replaces asparagine, which is neutral and polar, with serine, which is neutral and polar, at codon 930 of the PALB2 protein (p.Asn930Ser).

NM_024675.4(PALB2):c.2789A>G (p.Asn930Ser)

Gene: PALB2 (partner and localizer of BRCA2; minus strand). Cytogenetic location: 16p12.2.
Variant type: single nucleotide variant.
Coding change: c.2789A>G on transcript NM_024675.4 (MANE Select); coding-DNA position 2789, A replaced by G.
Protein change: p.Asn930Ser; replaces asparagine 930 with serine.
Molecular consequence: missense variant.
Genome position (GRCh38, 1-based): chr16:23,624,054, T>C on the plus strand (A>G on the coding strand, the complement: PALB2 is on the minus strand). VCF-style: chr16-23624054-T-C. GRCh37 (hg19) VCF-style: chr16-23635375-T-C.
Other names: short protein forms N930S.
Identifiers: ClinVar variation 925038 (VCV000925038.11), dbSNP rs1966825680, ClinGen allele CA395145034.